The following is an entry in ClinVar:

Conditions:
Complex neurodevelopmental disorder. Identifiers: Orphanet 528084, MedGen C5568766, MONDO:0100038.

Submission:

Channelopathy-Associated Epilepsy Research Center
No classification provided (evidence only). Condition: Complex neurodevelopmental disorder. Review status: no classification provided. Collection method: literature only. Allele origin: not applicable. Functional consequence: Moderate decrease in peak current, Depolarizing shift of voltage dependence of activation, Depolarizing shift of voltage dependence of fast inactivation, Acceleration of recovery from fast inactivation, Overall loss-of-function effect with respect to biophysical channel activity.
ClinVar note: "not provided" was previously submitted as the classification for the variant. However, the classification appeared to be based only on an observation of functional data so it was converted to no classification on 2025-07-30.

Literature cited by the submitters: PubMed 34431999.

NM_001330260.2(SCN8A):c.5273T>C (p.Val1758Ala)

Gene: SCN8A (sodium voltage-gated channel alpha subunit 8; plus strand). Cytogenetic location: 12q13.13.
Variant type: single nucleotide variant.
Coding change: c.5273T>C on transcript NM_001330260.2 (MANE Select); coding-DNA position 5273, T replaced by C.
Protein change: p.Val1758Ala; replaces valine 1758 with alanine.
Molecular consequence: missense variant.
Genome position (GRCh38, 1-based): chr12:51,806,759, T>C. VCF-style: chr12-51806759-T-C. GRCh37 (hg19) VCF-style: chr12-52200543-T-C.
Other names: c.5150T>C, p.Val1717Ala (NM_001177984.3, NM_001369788.1); c.5273T>C, p.Val1758Ala (NM_014191.4); c.5273T>C (NM_014191.3); short protein forms V1717A, V1758A.
Identifiers: ClinVar variation 3067150 (VCV003067150.2), dbSNP rs2540334607, ClinGen allele CA384885133.